The following is an entry in ClinVar:

ClinVar aggregate classification (germline): Uncertain significance. Review status: criteria provided, multiple submitters, no conflicts (2 of 4 stars). 2 submissions from 2 submitters: Uncertain significance (2). Last evaluated 2025-04-04.

Allele frequency attached by ClinVar (database versions not stated): gnomAD 0.00001; gnomAD exomes 0.00001; ExAC 0.00002.
gnomAD v4.1: 15 of 1,614,088 alleles (0.00093%); highest among the groups gnomAD compares: African/African-American, 0.011%; no homozygotes.

Submissions (2):

Ambry Genetics
Classification: Uncertain significance. Last evaluated: 2025-04-04. Review status: criteria provided, single submitter. Criteria: Ambry Variant Classification Scheme 2023. Collection method: clinical testing. Allele origin: germline.

Labcorp Genetics (formerly Invitae), Labcorp
Classification: Uncertain significance. Last evaluated: 2024-02-24. Review status: criteria provided, single submitter. Criteria: Invitae Variant Classification Sherloc (09022015). Collection method: clinical testing. Allele origin: germline.
Comment: This sequence change replaces tyrosine, which is neutral and polar, with aspartic acid, which is acidic and polar, at codon 556 of the IGSF10 protein (p.Tyr556Asp). This variant is present in population databases (rs776499459, gnomAD 0.01%). This variant has not been reported in the literature in individuals affected with IGSF10-related conditions. ClinVar contains an entry for this variant (Variation ID: 1495750). Algorithms developed to predict the effect of missense changes on protein structure and function output the following: SIFT: "Not Available"; PolyPhen-2: "Benign"; Align-GVGD: "Not Available". The aspartic acid amino acid residue is found in multiple mammalian species, which suggests that this missense change does not adversely affect protein function. In summary, the available evidence is currently insufficient to determine the role of this variant in disease. Therefore, it has been classified as a Variant of Uncertain Significance.

NM_178822.5(IGSF10):c.1666T>G (p.Tyr556Asp)

Gene: IGSF10 (immunoglobulin superfamily member 10; minus strand). Cytogenetic location: 3q25.1.
Variant type: single nucleotide variant.
Coding change: c.1666T>G on transcript NM_178822.5 (MANE Select); coding-DNA position 1666, T replaced by G.
Protein change: p.Tyr556Asp; replaces tyrosine 556 with aspartic acid.
Molecular consequence: missense variant.
Genome position (GRCh38, 1-based): chr3:151,448,315, A>C on the plus strand (T>G on the coding strand, the complement: IGSF10 is on the minus strand). VCF-style: chr3-151448315-A-C. GRCh37 (hg19) VCF-style: chr3-151166103-A-C.
Other names: c.1666T>G, p.Tyr556Asp (NM_001385060.1, NM_001385061.1, NM_001385062.1 and 1 more transcripts); c.1666T>G (NM_178822.4); short protein forms Y556D.
Identifiers: ClinVar variation 1495750 (VCV001495750.9), dbSNP rs776499459, ClinGen allele CA2670501.